The following is an entry in ClinVar:

NM_012330.4(KAT6B):c.4426G>A (p.Asp1476Asn)

Gene: KAT6B (lysine acetyltransferase 6B; plus strand). Cytogenetic location: 10q22.2.
Variant type: single nucleotide variant.
Coding change: c.4426G>A on transcript NM_012330.4 (MANE Select); coding-DNA position 4426, G replaced by A.
Protein change: p.Asp1476Asn; replaces aspartic acid 1476 with asparagine.
Molecular consequence: missense variant.
Genome position (GRCh38, 1-based): chr10:75,029,250, G>A. VCF-style: chr10-75029250-G-A. GRCh37 (hg19) VCF-style: chr10-76789008-G-A.
Other names: c.3877G>A, p.Asp1293Asn (NM_001256468.2, NM_001370138.1); c.3550G>A, p.Asp1184Asn (NM_001256469.2, NM_001370139.1, NM_001370140.1 and 2 more transcripts); c.3388G>A, p.Asp1130Asn (NM_001370132.1); c.2737G>A, p.Asp913Asn (NM_001370133.1); c.2341G>A, p.Asp781Asn (NM_001370134.1); c.2083G>A, p.Asp695Asn (NM_001370135.1); c.4426G>A, p.Asp1476Asn (NM_001370136.1, NM_001370137.1); c.3361G>A, p.Asp1121Asn (NM_001370143.1, NM_001370144.1); short protein forms D1121N, D1130N, D1184N, D1293N, D1476N, D695N, D781N, D913N.
Identifiers: ClinVar variation 3901764 (VCV003901764.2).
Genomic context (GRCh38, chr10:75,029,250, plus strand): 5'-CAGGAGACTTTTTTAGACCTTAATGTGCAGCCTGGTCACTCGAACCCAGAGGTCTTAATG[G>A]ACTGTGGCGTCGACCTGACAGCTTCTTGTAACAGTGAGCCCAAGGAGCTTGCTGGGGACC-3'
Protein context (NP_036462.2, residues 1466-1486): PGHSNPEVLM[Asp1476Asn]CGVDLTASCN

ClinVar aggregate classification (germline): Uncertain significance. Review status: criteria provided, multiple submitters, no conflicts (2 of 4 stars). 2 submissions from 2 submitters: Uncertain significance (2). Last evaluated 2025-10-15.

Conditions:
Genitopatellar syndrome (GTPTS). Also called: ABSENT PATELLAE, SCROTAL HYPOPLASIA, RENAL ANOMALIES, FACIAL DYSMORPHISM, AND MENTAL RETARDATION; Genitopatellar syndrome (GPS). Identifiers: Orphanet 85201, MedGen C1853566, MONDO:0011640, OMIM 606170.

gnomAD v4.1: 2 of 1,614,156 alleles (0.00012%); highest among the groups gnomAD compares: South Asian, 0.0022%; no homozygotes.

Submissions (2):

Labcorp Genetics (formerly Invitae), Labcorp
Classification: Uncertain significance for Genitopatellar syndrome. Last evaluated: 2025-10-15. Review status: criteria provided, single submitter. Criteria: Invitae Variant Classification Sherloc (09022015). Collection method: clinical testing. Allele origin: germline.
Comment: This sequence change replaces aspartic acid, which is acidic and polar, with asparagine, which is neutral and polar, at codon 1476 of the KAT6B protein (p.Asp1476Asn). This variant is not present in population databases (gnomAD no frequency). This variant has not been reported in the literature in individuals affected with KAT6B-related conditions. ClinVar contains an entry for this variant (Variation ID: 3901764). Invitae Evidence Modeling of protein sequence and biophysical properties (such as structural, functional, and spatial information, amino acid conservation, physicochemical variation, residue mobility, and thermodynamic stability) indicates that this missense variant is not expected to disrupt KAT6B protein function with a negative predictive value of 80%. In summary, the available evidence is currently insufficient to determine the role of this variant in disease. Therefore, it has been classified as a Variant of Uncertain Significance.

GeneDx
Classification: Uncertain significance. Last evaluated: 2024-12-05. Review status: criteria provided, single submitter. Criteria: GeneDx Variant Classification Process June 2021. Collection method: clinical testing. Allele origin: germline. Affected: yes.
Comment: Not observed at significant frequency in large population cohorts (gnomAD); In silico analysis indicates that this missense variant does not alter protein structure/function; Has not been previously published as pathogenic or benign to our knowledge